The following is an entry in ClinVar:

ClinVar aggregate classification (germline): Likely benign. Review status: criteria provided, multiple submitters, no conflicts (2 of 4 stars). 3 submissions from 3 submitters: Likely benign (3). Last evaluated 2024-06-26.

Allele frequency attached by ClinVar (database versions not stated): gnomAD 0.00001 and 0.00002; gnomAD exomes 0.00001 and 0.00006; TOPMed 0.00001; ExAC 0.00003; 1000 Genomes Project 30x 0.00047; 1000 Genomes Project 0.00060.
gnomAD v4.1: 24 of 1,613,972 alleles (0.0015%); highest among the groups gnomAD compares: East Asian, 0.045%; no homozygotes.

Submissions (3):

Labcorp Genetics (formerly Invitae), Labcorp
Classification: Likely benign. Last evaluated: 2024-06-26. Review status: criteria provided, single submitter. Criteria: Invitae Variant Classification Sherloc (09022015). Collection method: clinical testing. Allele origin: germline.

CeGaT Center for Human Genetics Tuebingen
Classification: Likely benign. Last evaluated: 2022-07-01. Review status: criteria provided, single submitter. Criteria: CeGaT Center For Human Genetics Tuebingen Variant Classification Criteria Version 2. Collection method: clinical testing. Allele origin: germline. Affected: yes. Observed: 1 variant allele.
Comment: TUBGCP6: BP4, BP7

Blueprint Genetics
Classification: Likely benign. Last evaluated: 2020-08-30. Review status: criteria provided, single submitter. Criteria: ACMG Guidelines, 2015. Collection method: clinical testing. Allele origin: germline.

NM_020461.4(TUBGCP6):c.852A>G (p.Glu284=)

Gene: TUBGCP6 (tubulin gamma complex component 6; minus strand). Cytogenetic location: 22q13.33.
Variant type: single nucleotide variant.
Coding change: c.852A>G on transcript NM_020461.4 (MANE Select); coding-DNA position 852, A replaced by G.
Protein change: p.Glu284=; no amino-acid change (glutamic acid 284 retained).
Molecular consequence: synonymous variant.
Genome position (GRCh38, 1-based): chr22:50,240,257, T>C on the plus strand (A>G on the coding strand, the complement: TUBGCP6 is on the minus strand). VCF-style: chr22-50240257-T-C. GRCh37 (hg19) VCF-style: chr22-50678686-T-C.
Identifiers: ClinVar variation 1536926 (VCV001536926.32), dbSNP rs566984799, ClinGen allele CA10308935.